The following is an entry in ClinVar:

ClinVar aggregate classification (germline): Pathogenic (1 of 4 stars; one submission).

Conditions:
Primary ciliary dyskinesia 3. Identifiers: Orphanet 244, MedGen C1837618, MONDO:0012085, OMIM 608644.

Submission:

Myriad Genetics, Inc.
Classification: Pathogenic for Primary ciliary dyskinesia 3. Last evaluated: 2025-01-11. Review status: criteria provided, single submitter. Criteria: Myriad Autosomal Dominant, Autosomal Recessive and X-Linked Classification Criteria (2023). Collection method: clinical testing. Allele origin: unknown.
Comment: NM_001369.2(DNAH5):c.2141delT(I714Nfs*2) is expected to be pathogenic in the context of primary ciliary dyskinesia, DNAH5-related. This variant is predicted to lead to an abnormal or absent protein product due to the creation of a premature termination codon in DNAH5, a gene where loss-of-function variants are known to be pathogenic. Please note: this variant was assessed in the context of healthy population screening.

NM_001369.3(DNAH5):c.2141del (p.Ile714fs)

Genes: DNAH5 (dynein axonemal heavy chain 5; minus strand), DNAH5-AS1 (DNAH5 antisense RNA 1; plus strand). Cytogenetic location: 5p15.2.
Variant type: Deletion.
Coding change: c.2141del on transcript NM_001369.3 (MANE Select); coding-DNA position 2141, one base deleted (T; older notation c.2141delT).
Protein change: p.Ile714fs; shifts the reading frame from isoleucine 714.
Molecular consequence: frameshift variant. On other transcripts: non-coding transcript variant (1).
Genome position (GRCh38, 1-based): chr5:13,900,324, A deleted on the plus strand (T on the coding strand, the reverse complement: DNAH5 is on the minus strand). VCF-style (leftmost placement, unchanged base first): chr5-13900323-TA-T. GRCh37 (hg19) VCF-style: chr5-13900432-TA-T.
Other names: short protein forms I714fs.
Identifiers: ClinVar variation 5013947 (VCV005013947.1).